The following is an entry in ClinVar:

NM_031935.3(HMCN1):c.2131C>T (p.Leu711Phe)

Gene: HMCN1 (hemicentin 1; plus strand). Cytogenetic location: 1q31.1.
Variant type: single nucleotide variant.
Coding change: c.2131C>T on transcript NM_031935.3 (MANE Select); coding-DNA position 2131, C replaced by T.
Protein change: p.Leu711Phe; replaces leucine 711 with phenylalanine.
Molecular consequence: missense variant.
Genome position (GRCh38, 1-based): chr1:185,965,834, C>T. VCF-style: chr1-185965834-C-T. GRCh37 (hg19) VCF-style: chr1-185934966-C-T.
Other names: short protein forms L711F.
Identifiers: ClinVar variation 2191891 (VCV002191891.4), dbSNP rs148678216, ClinGen allele CA1291303.

ClinVar aggregate classification (germline): Uncertain significance (1 of 4 stars; one submission).

Allele frequency attached by ClinVar (database versions not stated): gnomAD exomes below 0.00001; ExAC 0.00001; gnomAD 0.00001; TOPMed 0.00001; ESP Exome Variant Server 0.00008.
gnomAD v4.1: 3 of 1,611,990 alleles (0.00019%); highest among the groups gnomAD compares: African/African-American, 0.0013%; no homozygotes.

Submission:

Labcorp Genetics (formerly Invitae), Labcorp
Classification: Uncertain significance. Last evaluated: 2025-07-31. Review status: criteria provided, single submitter. Criteria: Invitae Variant Classification Sherloc (09022015). Collection method: clinical testing. Allele origin: germline.
Comment: This sequence change replaces leucine, which is neutral and non-polar, with phenylalanine, which is neutral and non-polar, at codon 711 of the HMCN1 protein (p.Leu711Phe). This variant is present in population databases (rs148678216, gnomAD 0.007%). This variant has not been reported in the literature in individuals affected with HMCN1-related conditions. ClinVar contains an entry for this variant (Variation ID: 2191891). An algorithm developed to predict the effect of missense changes on protein structure and function (PolyPhen-2) suggests that this variant is likely to be disruptive. In summary, the available evidence is currently insufficient to determine the role of this variant in disease. Therefore, it has been classified as a Variant of Uncertain Significance.